The following is an entry in ClinVar:

ClinVar aggregate classification (germline): Uncertain significance (1 of 4 stars; one submission).

Conditions:
Hyperphosphatasia with impaired intellectual development syndrome 2. Also called: Hyperphosphatasia with intellectual disability syndrome 2; GLYCOSYLPHOSPHATIDYLINOSITOL BIOSYNTHESIS DEFECT 6. Identifiers: Orphanet 247262, MedGen C3553637, MONDO:0013882, OMIM 614749.

Submission:

Labcorp Genetics (formerly Invitae), Labcorp
Classification: Uncertain significance for Hyperphosphatasia with impaired intellectual development syndrome 2. Last evaluated: 2019-10-29. Review status: criteria provided, single submitter. Criteria: Invitae Variant Classification Sherloc (09022015). Collection method: clinical testing. Allele origin: germline.
Comment: This sequence change replaces glycine with aspartic acid at codon 692 of the PIGO protein (p.Gly692Asp). The glycine residue is moderately conserved and there is a moderate physicochemical difference between glycine and aspartic acid. This variant is not present in population databases (ExAC no frequency). This variant has not been reported in the literature in individuals with PIGO-related conditions. Algorithms developed to predict the effect of missense changes on protein structure and function are either unavailable or do not agree on the potential impact of this missense change (SIFT: "Deleterious"; PolyPhen-2: "Probably Damaging"; Align-GVGD: "Class C0"). In summary, the available evidence is currently insufficient to determine the role of this variant in disease. Therefore, it has been classified as a Variant of Uncertain Significance.

NM_032634.4(PIGO):c.2075G>A (p.Gly692Asp)

Gene: PIGO (phosphatidylinositol glycan anchor biosynthesis class O; minus strand). Cytogenetic location: 9p13.3.
Variant type: single nucleotide variant.
Coding change: c.2075G>A on transcript NM_032634.4 (MANE Select); coding-DNA position 2075, G replaced by A.
Protein change: p.Gly692Asp; replaces glycine 692 with aspartic acid.
Molecular consequence: missense variant. On other transcripts: intron variant (2).
Genome position (GRCh38, 1-based): chr9:35,091,812, C>T on the plus strand (G>A on the coding strand, the complement: PIGO is on the minus strand). VCF-style: chr9-35091812-C-T. GRCh37 (hg19) VCF-style: chr9-35091809-C-T.
Other names: c.1345-521G>A (NM_152850.4, NM_001201484.2); short protein forms G692D.
Identifiers: ClinVar variation 960117 (VCV000960117.9), dbSNP rs1829434904, ClinGen allele CA373320839.
Genomic context (GRCh38, chr9:35,091,812, plus strand): 5'-GCCATTAGGGGCAGTCCCCAGCGCACAAAGAGCATGGGTGGCTCGGGGCTCTTGAGATTA[C>T]CATAGCGGCGAAGCCACAAGCGCACGGCAGCTAACAGGGCCACCAGCGCCGCCACACAAG-3'
Protein context (NP_116023.2, residues 682-702): AAVRLWLRRY[Gly692Asp]NLKSPEPPML